The following is an entry in ClinVar:

ClinVar aggregate classification (germline): Uncertain significance. Review status: criteria provided, multiple submitters, no conflicts (2 of 4 stars). 2 submissions from 2 submitters: Uncertain significance (2). Last evaluated 2025-10-20.

Conditions:
Idiopathic generalized epilepsy. Also called: EIG; Generalised epilepsy. Identifiers: MedGen C0270850, MONDO:0005579, OMIM 600669.
Hyperaldosteronism, familial, type IV (HALD4). Also called: FH IV; ALDOSTERONISM, PRIMARY, AND HYPERTENSION. Identifiers: Orphanet 642671, MedGen C4310756, MONDO:0014875, OMIM 617027.
Epilepsy, childhood absence, susceptibility to, 6. Identifiers: Orphanet 64280, MedGen C2749872, MONDO:0012763, OMIM 611942.

Allele frequency attached by ClinVar (database versions not stated): gnomAD exomes below 0.00001; TOPMed 0.00004.
gnomAD v4.1: 6 of 1,602,022 alleles (0.00037%); highest among the groups gnomAD compares: African/African-American, 0.0053%; no homozygotes.

Submissions (2):

Labcorp Genetics (formerly Invitae), Labcorp
Classification: Uncertain significance for Idiopathic generalized epilepsy; Hyperaldosteronism, familial, type IV. Last evaluated: 2025-10-20. Review status: criteria provided, single submitter. Criteria: Invitae Variant Classification Sherloc (09022015). Collection method: clinical testing. Allele origin: germline.
Comment: This sequence change replaces glutamine, which is neutral and polar, with arginine, which is basic and polar, at codon 300 of the CACNA1H protein (p.Gln300Arg). This variant is not present in population databases (gnomAD no frequency). This variant has not been reported in the literature in individuals affected with CACNA1H-related conditions. ClinVar contains an entry for this variant (Variation ID: 1492714). Invitae Evidence Modeling of protein sequence and biophysical properties (such as structural, functional, and spatial information, amino acid conservation, physicochemical variation, residue mobility, and thermodynamic stability) indicates that this missense variant is not expected to disrupt CACNA1H protein function with a negative predictive value of 80%. In summary, the available evidence is currently insufficient to determine the role of this variant in disease. Therefore, it has been classified as a Variant of Uncertain Significance.

Fulgent Genetics
Classification: Uncertain significance for Epilepsy, childhood absence, susceptibility to, 6; Hyperaldosteronism, familial, type IV. Last evaluated: 2022-03-29. Review status: criteria provided, single submitter. Criteria: ACMG Guidelines, 2015. Collection method: clinical testing. Allele origin: unknown.

NM_021098.3(CACNA1H):c.899A>G (p.Gln300Arg)

Gene: CACNA1H (calcium voltage-gated channel subunit alpha1 H; plus strand). Cytogenetic location: 16p13.3.
Variant type: single nucleotide variant.
Coding change: c.899A>G on transcript NM_021098.3 (MANE Select); coding-DNA position 899, A replaced by G.
Protein change: p.Gln300Arg; replaces glutamine 300 with arginine.
Molecular consequence: missense variant.
Genome position (GRCh38, 1-based): chr16:1,200,351, A>G. VCF-style: chr16-1200351-A-G. GRCh37 (hg19) VCF-style: chr16-1250351-A-G.
Other names: c.899A>G, p.Gln300Arg (NM_001005407.2); short protein forms Q300R.
Identifiers: ClinVar variation 1492714 (VCV001492714.7), dbSNP rs1195218337, ClinGen allele CA394156292.